The following is an entry in ClinVar:

ClinVar aggregate classification (germline): Uncertain significance. Review status: criteria provided, multiple submitters, no conflicts (2 of 4 stars). 2 submissions from 2 submitters: Uncertain significance (2). Last evaluated 2025-05-05.

Conditions:
Inborn genetic diseases. Identifiers: MedGen C0950123, MeSH D030342.
Baller-Gerold syndrome (BGS). Also called: CRANIOSYNOSTOSIS WITH RADIAL DEFECTS. Identifiers: Orphanet 1225, MedGen C0265308, MONDO:0009039, OMIM 218600.

Allele frequency attached by ClinVar (database versions not stated): gnomAD exomes below 0.00001; TOPMed below 0.00001; gnomAD 0.00001.
gnomAD v4.1: 4 of 1,612,074 alleles (0.00025%); highest among the groups gnomAD compares: Non-Finnish European, 0.00025%; no homozygotes.

Submissions (2):

Ambry Genetics
Classification: Uncertain significance for Inborn genetic diseases. Last evaluated: 2025-05-05. Review status: criteria provided, single submitter. Criteria: Ambry Variant Classification Scheme 2023. Collection method: clinical testing. Allele origin: germline.
Comment: The p.I604V variant (also known as c.1810A>G), located in coding exon 11 of the RECQL4 gene, results from an A to G substitution at nucleotide position 1810. The isoleucine at codon 604 is replaced by valine, an amino acid with highly similar properties. This amino acid position is conserved. In addition, this alteration is predicted to be tolerated by in silico analysis. Based on the available evidence, the clinical significance of this variant remains unclear.

Labcorp Genetics (formerly Invitae), Labcorp
Classification: Uncertain significance for Baller-Gerold syndrome. Last evaluated: 2021-09-29. Review status: criteria provided, single submitter. Criteria: Invitae Variant Classification Sherloc (09022015). Collection method: clinical testing. Allele origin: germline.
Comment: This sequence change replaces isoleucine with valine at codon 604 of the RECQL4 protein (p.Ile604Val). The isoleucine residue is moderately conserved and there is a small physicochemical difference between isoleucine and valine. This variant is not present in population databases (ExAC no frequency). This variant has not been reported in the literature in individuals affected with RECQL4-related conditions. Algorithms developed to predict the effect of missense changes on protein structure and function output the following: SIFT: "Not Available"; PolyPhen-2: "Not Available"; Align-GVGD: "Not Available". The valine amino acid residue is found in multiple mammalian species, which suggests that this missense change does not adversely affect protein function. In summary, the available evidence is currently insufficient to determine the role of this variant in disease. Therefore, it has been classified as a Variant of Uncertain Significance.

NM_004260.4(RECQL4):c.1810A>G (p.Ile604Val)

Gene: RECQL4 (RecQ like helicase 4; minus strand). Cytogenetic location: 8q24.3.
Variant type: single nucleotide variant.
Coding change: c.1810A>G on transcript NM_004260.4 (MANE Select); coding-DNA position 1810, A replaced by G.
Protein change: p.Ile604Val; replaces isoleucine 604 with valine.
Molecular consequence: missense variant.
Genome position (GRCh38, 1-based): chr8:144,514,257, T>C on the plus strand (A>G on the coding strand, the complement: RECQL4 is on the minus strand). VCF-style: chr8-144514257-T-C. GRCh37 (hg19) VCF-style: chr8-145739641-T-C.
Other names: short protein forms I604V.
Identifiers: ClinVar variation 848280 (VCV000848280.6), dbSNP rs1467801930, ClinGen allele CA372680853.